The following is an entry in ClinVar:

NM_019066.5(MAGEL2):c.3387G>A (p.Glu1129=)

Gene: MAGEL2 (MAGE family member L2; minus strand). Cytogenetic location: 15q11.2.
Variant type: single nucleotide variant.
Coding change: c.3387G>A on transcript NM_019066.5 (MANE Select); coding-DNA position 3387, G replaced by A.
Protein change: p.Glu1129=; no amino-acid change (glutamic acid 1129 retained).
Molecular consequence: synonymous variant.
Genome position (GRCh38, 1-based): chr15:23,644,356, C>T on the plus strand (G>A on the coding strand, the complement: MAGEL2 is on the minus strand). VCF-style: chr15-23644356-C-T. GRCh37 (hg19) VCF-style: chr15-23889503-C-T.
Identifiers: ClinVar variation 2703590 (VCV002703590.3), dbSNP rs2503974306, ClinGen allele CA489228531.

ClinVar aggregate classification (germline): Uncertain significance (1 of 4 stars; one submission).

Submission:

Labcorp Genetics (formerly Invitae), Labcorp
Classification: Uncertain significance. Last evaluated: 2023-12-18. Review status: criteria provided, single submitter. Criteria: Invitae Variant Classification Sherloc (09022015). Collection method: clinical testing. Allele origin: germline.
Comment: This sequence change affects codon 1129 of the MAGEL2 mRNA. It is a 'silent' change, meaning that it does not change the encoded amino acid sequence of the MAGEL2 protein. This variant is not present in population databases (gnomAD no frequency). This variant has not been reported in the literature in individuals affected with MAGEL2-related conditions. In summary, the available evidence is currently insufficient to determine the role of this variant in disease. Therefore, it has been classified as a Variant of Uncertain Significance.